The following is an entry in ClinVar:

ClinVar aggregate classification (germline): Pathogenic (1 of 4 stars; one submission).

Submission:

Labcorp Genetics (formerly Invitae), Labcorp
Classification: Pathogenic. Last evaluated: 2024-09-12. Review status: criteria provided, single submitter. Criteria: Invitae Variant Classification Sherloc (09022015). Collection method: clinical testing. Allele origin: germline.
Comment: This sequence change creates a premature translational stop signal (p.Lys74Serfs*5) in the ZNF469 gene. It is expected to result in an absent or disrupted protein product. Loss-of-function variants in ZNF469 are known to be pathogenic (PMID: 23642083, 23680354). This variant is not present in population databases (gnomAD no frequency). This variant has not been reported in the literature in individuals affected with ZNF469-related conditions. For these reasons, this variant has been classified as Pathogenic.

Literature cited by the submitters: PubMed 23642083; PubMed 23680354.

NM_001367624.2(ZNF469):c.221del (p.Lys74fs)

Gene: ZNF469 (zinc finger protein 469; plus strand). Cytogenetic location: 16q24.2.
Variant type: Deletion.
Coding change: c.221del on transcript NM_001367624.2 (MANE Select); coding-DNA position 221, one base deleted (A; older notation c.221delA).
Protein change: p.Lys74fs; shifts the reading frame from lysine 74.
Molecular consequence: frameshift variant.
Genome position (GRCh38, 1-based): chr16:88,427,691, A deleted; the last of 2 consecutive A bases (chr16:88,427,690-88,427,691); deleting either gives the same sequence. VCF-style (leftmost placement, unchanged base first): chr16-88427689-CA-C. GRCh37 (hg19) VCF-style: chr16-88494097-CA-C.
Other names: short protein forms K74fs.
Identifiers: ClinVar variation 3642025 (VCV003642025.2).